The following is an entry in ClinVar:

ClinVar aggregate classification (germline): Conflicting classifications of pathogenicity. Review status: criteria provided, conflicting classifications (1 of 4 stars). 2 submissions from 2 submitters: Uncertain significance (1); Likely benign (1). Last evaluated 2025-08-14.

Conditions:
Inborn genetic diseases. Identifiers: MedGen C0950123, MeSH D030342.
Mosaic variegated aneuploidy syndrome 2 (MVA2). Identifiers: Orphanet 1052, MedGen C3279843, MONDO:0013582, OMIM 614114.

Allele frequency attached by ClinVar (database versions not stated): gnomAD 0.00003 and below 0.00001; gnomAD exomes 0.00016; ExAC 0.00020; 1000 Genomes Project 30x 0.00031; 1000 Genomes Project 0.00040; TOPMed 0.00001.
gnomAD v4.1: 108 of 1,614,074 alleles (0.0067%); highest among the groups gnomAD compares: South Asian, 0.11%; 1 homozygote.

Submissions (2):

Ambry Genetics
Classification: Likely benign for Inborn genetic diseases. Last evaluated: 2025-08-14. Review status: criteria provided, single submitter. Criteria: Ambry Variant Classification Scheme 2023. Collection method: clinical testing. Allele origin: germline.

Labcorp Genetics (formerly Invitae), Labcorp
Classification: Uncertain significance for Mosaic variegated aneuploidy syndrome 2. Last evaluated: 2022-08-23. Review status: criteria provided, single submitter. Criteria: Invitae Variant Classification Sherloc (09022015). Collection method: clinical testing. Allele origin: germline.
Comment: Algorithms developed to predict the effect of missense changes on protein structure and function output the following: SIFT: "Tolerated"; PolyPhen-2: "Not Available"; Align-GVGD: "Class C0". The glutamine amino acid residue is found in multiple mammalian species, which suggests that this missense change does not adversely affect protein function. ClinVar contains an entry for this variant (Variation ID: 836256). This variant has not been reported in the literature in individuals affected with CEP57-related conditions. This variant is present in population databases (rs531068389, gnomAD 0.1%). This sequence change replaces histidine, which is basic and polar, with glutamine, which is neutral and polar, at codon 13 of the CEP57 protein (p.His13Gln). In summary, the available evidence is currently insufficient to determine the role of this variant in disease. Therefore, it has been classified as a Variant of Uncertain Significance. Algorithms developed to predict the effect of sequence changes on RNA splicing suggest that this variant may create or strengthen a splice site.

NM_014679.5(CEP57):c.39C>G (p.His13Gln)

Genes: CEP57 (centrosomal protein 57; plus strand), LOC130006618 (ATAC-STARR-seq lymphoblastoid active region 5417; plus strand). Cytogenetic location: 11q21.
Variant type: single nucleotide variant.
Coding change: c.39C>G on transcript NM_014679.5 (MANE Select); coding-DNA position 39, C replaced by G.
Protein change: p.His13Gln; replaces histidine 13 with glutamine.
Molecular consequence: missense variant. On other transcripts: 5 prime UTR variant (2).
Genome position (GRCh38, 1-based): chr11:95,790,737, C>G. VCF-style: chr11-95790737-C-G. GRCh37 (hg19) VCF-style: chr11-95523901-C-G.
Other names: c.-33C>G (NM_001243776.2); c.39C>G, p.His13Gln (NM_001243777.2); c.-356C>G (NM_001363604.2); short protein forms H13Q.
Identifiers: ClinVar variation 836256 (VCV000836256.12), dbSNP rs531068389, ClinGen allele CA6239307.